The following is an entry in ClinVar:

ClinVar aggregate classification (germline): Likely benign. Review status: criteria provided, multiple submitters, no conflicts (2 of 4 stars). 4 submissions from 4 submitters: Likely benign (4). Last evaluated 2025-05-01.

Conditions:
Hereditary cancer-predisposing syndrome. Also called: Tumor predisposition; Hereditary Cancer Syndrome; Hereditary neoplastic syndrome; Neoplastic Syndromes, Hereditary. Identifiers: Orphanet 140162, MedGen C0027672, MeSH D009386, MONDO:0015356.
Familial adenomatous polyposis 2. Also called: MUTYH Polyposis; COLORECTAL ADENOMATOUS POLYPOSIS, AUTOSOMAL RECESSIVE; ADENOMAS, MULTIPLE COLORECTAL, AUTOSOMAL RECESSIVE; MUTYH-related attenuated familial adenomatous polyposis; FAP type 2; MUTYH-associated polyposis. Identifiers: Orphanet 220460, Orphanet 247798, MedGen C3272841, MONDO:0012041, OMIM 608456.

Allele frequency attached by ClinVar (database versions not stated): gnomAD exomes below 0.00001; gnomAD 0.00001.
gnomAD v4.1: 2 of 1,614,126 alleles (0.00012%); highest among the groups gnomAD compares: African/African-American, 0.0027%; no homozygotes.

Submissions (4):

Labcorp Genetics (formerly Invitae), Labcorp
Classification: Likely benign for Familial adenomatous polyposis 2. Last evaluated: 2025-05-01. Review status: criteria provided, single submitter. Criteria: Invitae Variant Classification Sherloc (09022015). Collection method: clinical testing. Allele origin: germline.

Ambry Genetics
Classification: Likely benign for Hereditary cancer-predisposing syndrome. Last evaluated: 2023-11-15. Review status: criteria provided, single submitter. Criteria: Ambry Variant Classification Scheme 2023. Collection method: clinical testing. Allele origin: germline.

All of Us Research Program, National Institutes of Health
Classification: Likely benign for Familial adenomatous polyposis 2. Last evaluated: 2023-03-04. Review status: criteria provided, single submitter. Criteria: ACMG Guidelines, 2015. Collection method: clinical testing. Allele origin: germline. Inheritance: Autosomal recessive inheritance. Observed: 1 variant allele, 1 heterozygote.
Comment: This study involves interpretation of variants in research participants for the purpose of population health screening. Participant phenotype was not available at the time of variant classification. Additional details can be found in publication PMID: 35346344, PMCID: PMC8962531

Color Diagnostics, LLC DBA Color Health
Classification: Likely benign for Hereditary cancer-predisposing syndrome. Last evaluated: 2022-08-11. Review status: criteria provided, single submitter. Criteria: ACMG Guidelines, 2015. Collection method: clinical testing. Allele origin: germline.

NM_001048174.2(MUTYH):c.294G>A (p.Arg98=)

Gene: MUTYH (mutY DNA glycosylase; minus strand). Cytogenetic location: 1p34.1.
Variant type: single nucleotide variant.
Coding change: c.294G>A on transcript NM_001048174.2 (MANE Select); coding-DNA position 294, G replaced by A.
Protein change: p.Arg98=; no amino-acid change (arginine 98 retained).
Molecular consequence: synonymous variant. On other transcripts: missense variant (2), non-coding transcript variant (2).
Genome position (GRCh38, 1-based): chr1:45,333,295, C>T on the plus strand (G>A on the coding strand, the complement: MUTYH is on the minus strand). VCF-style: chr1-45333295-C-T. GRCh37 (hg19) VCF-style: chr1-45798967-C-T.
Other names: c.294G>A, p.Arg98= (NM_001048171.2, NM_001048173.2, NM_001293195.2); c.297G>A, p.Arg99= (NM_001048172.2); c.378G>A, p.Arg126= (NM_001128425.2); c.339G>A, p.Arg113= (NM_001293190.2); c.327G>A, p.Arg109= (NM_001293191.2); c.18G>A, p.Arg6= (NM_001293192.2, NM_001293196.2); c.23G>A, p.Gly8Glu (NM_001350650.2, NM_001350651.2); c.369G>A, p.Arg123= (NM_012222.3); short protein forms G8E.
Identifiers: ClinVar variation 796674 (VCV000796674.11), dbSNP rs1232031176, ClinGen allele CA417880316.